The following is an entry in ClinVar:

ClinVar aggregate classification (germline): Likely pathogenic (1 of 4 stars; one submission).

Conditions:
Mucopolysaccharidosis, MPS-II (MPS2). Also called: Attenuated MPS (subtype; formerly known as mild MPS II); Severe MPS II; I2S deficiency; MPS 2; Hunter Syndrome; IDURONATE 2-SULFATASE DEFICIENCY. Identifiers: Orphanet 580, Orphanet 79388, MedGen C0026705, MONDO:0010674, OMIM 309900.

Submission:

Medical Genetic Diagnosis and Therapy Center, Fujian Medical University
Classification: Likely pathogenic for Mucopolysaccharidosis, MPS-II. Last evaluated: 2025-10-27. Review status: criteria provided, single submitter. Criteria: ACMG Guidelines, 2015. Collection method: clinical testing. Allele origin: germline. Affected: yes.
Comment: P: PVS1+PM2+PP1+PP4. This variant has not been reported to our knowlwdge.

NM_000202.8(IDS):c.1209del (p.Val404fs)

Gene: IDS (iduronate 2-sulfatase; minus strand). Cytogenetic location: Xq28.
Variant type: Deletion.
Coding change: c.1209del on transcript NM_000202.8 (MANE Select); coding-DNA position 1209, one base deleted (T; older notation c.1209delT).
Protein change: p.Val404fs; shifts the reading frame from valine 404.
Molecular consequence: frameshift variant.
Genome position (GRCh38, 1-based): chrX:149,483,190, A deleted on the plus strand (T on the coding strand, the reverse complement: IDS is on the minus strand); the first of 2 consecutive A bases (chrX:149,483,190-149,483,191); deleting either gives the same sequence. VCF-style (leftmost placement, unchanged base first): chrX-149483189-CA-C. GRCh37 (hg19) VCF-style: chrX-148564720-CA-C.
Other names: c.939del, p.Val314fs (NM_001166550.4); short protein forms V314fs, V404fs.
Identifiers: ClinVar variation 4528907 (VCV004528907.1).